The following is an entry in ClinVar:

ClinVar aggregate classification (germline): Likely pathogenic (1 of 4 stars; one submission).

Submission:

Mayo Clinic Laboratories, Mayo Clinic
Classification: Likely pathogenic. Last evaluated: 2023-08-24. Review status: criteria provided, single submitter. Criteria: ACMG Guidelines, 2015. Collection method: clinical testing. Allele origin: germline. Observed: 1 variant allele.
Comment: PM2, PVS1

NM_001114753.3(ENG):c.67+2del

Gene: ENG (endoglin; minus strand). Cytogenetic location: 9q34.11.
Variant type: Deletion.
Coding change: c.67+2del on transcript NM_001114753.3 (MANE Select); the canonical splice donor site of the intron after coding-DNA position 67, one base deleted (T; older notation c.67+2delT).
Molecular consequence: splice donor variant.
Genome position (GRCh38, 1-based): chr9:127,854,287, A deleted on the plus strand (T on the coding strand, the reverse complement: ENG is on the minus strand). VCF-style (leftmost placement, unchanged base first): chr9-127854286-TA-T. GRCh37 (hg19) VCF-style: chr9-130616565-TA-T.
Other names: c.67+2del (NM_000118.4, NM_001406715.1).
Identifiers: ClinVar variation 3381058 (VCV003381058.1).